The following is an entry in ClinVar:

NM_001003694.2(BRPF1):c.2311+1G>A

Gene: BRPF1 (bromodomain and PHD finger containing 1; plus strand). Cytogenetic location: 3p25.3.
Variant type: single nucleotide variant.
Coding change: c.2311+1G>A on transcript NM_001003694.2 (MANE Select); the canonical splice donor site of the intron after coding-DNA position 2311, G replaced by A.
Molecular consequence: splice donor variant.
Genome position (GRCh38, 1-based): chr3:9,743,254, G>A. VCF-style: chr3-9743254-G-A. GRCh37 (hg19) VCF-style: chr3-9784938-G-A.
Other names: c.2311+1G>A (NM_001410704.1); c.2293+1G>A (NM_004634.3, NM_001319049.2, NM_001319050.2).
Identifiers: ClinVar variation 975191 (VCV000975191.2), dbSNP rs2077062359, ClinGen allele CA351696608.

ClinVar aggregate classification (germline): Likely pathogenic. Review status: criteria provided, single submitter (1 of 4 stars). 2 submissions from 2 submitters: Likely pathogenic (1). 1 of the submissions does not count toward it.

Conditions:
Intellectual developmental disorder with dysmorphic facies and ptosis (IDDDFP). Identifiers: Orphanet 698090, MedGen C4310617, MONDO:0015022, OMIM 617333.

Submissions (2):

Molecular Genetics Department, Kulakov National Medical Research Center for Obstetrics, Gynecology and Perinatology
Classification: Likely pathogenic for Intellectual developmental disorder with dysmorphic facies and ptosis. Review status: criteria provided, single submitter. Criteria: ACMG Guidelines, 2015. Collection method: clinical testing. Allele origin: germline. Affected: yes. Observed: 1 variant allele.
Comment: A previously undescribed heterozygous nucleotide variant creates an alteration of the canonical splice site c.2311+1G>A in the BRPF1 gene. Heterozygous variants are reported in patients with intellectual developmental disorder with dysmorphic facies and ptosis, 617333. The variant is not present in population database (gnomAD no frequency). In summary, the currently available evidence indicates that the variant is pathogenic, but additional data are needed to prove that conclusively. Therefore, this variant has been classified as likely pathogenic.

Centre de Biologie Pathologie Génétique, Centre Hospitalier Universitaire de Lille
Classification: Pathogenic for Intellectual developmental disorder with dysmorphic facies and ptosis. Last evaluated: 2019-01-01. Review status: no assertion criteria provided. Collection method: clinical testing. Allele origin: maternal. Affected: yes. Not counted in ClinVar's aggregate classification.